The following is an entry in ClinVar:

ClinVar aggregate classification (germline): Uncertain significance (1 of 4 stars; one submission).

Conditions:
Orthostatic hypotension 1 (ORTHYP1). Also called: Orthostatic hypotension 1, due to DBH deficiency; Dopamine beta-hydroxylase deficiency; NORADRENALINE DEFICIENCY; NOREPINEPHRINE DEFICIENCY. Identifiers: Orphanet 230, MedGen C4746777, MONDO:0009123, OMIM 223360.

Allele frequency attached by ClinVar (database versions not stated): TOPMed below 0.00001; ExAC 0.00001; gnomAD 0.00001; ESP Exome Variant Server 0.00008.

Submission:

Labcorp Genetics (formerly Invitae), Labcorp
Classification: Uncertain significance for Orthostatic hypotension 1. Last evaluated: 2022-04-06. Review status: criteria provided, single submitter. Criteria: Invitae Variant Classification Sherloc (09022015). Collection method: clinical testing. Allele origin: germline.
Comment: In summary, the available evidence is currently insufficient to determine the role of this variant in disease. Therefore, it has been classified as a Variant of Uncertain Significance. Algorithms developed to predict the effect of sequence changes on RNA splicing suggest that this variant may disrupt the consensus splice site. This variant has not been reported in the literature in individuals affected with DBH-related conditions. This variant is present in population databases (rs374042518, gnomAD 0.0009%). This sequence change affects codon 341 of the DBH mRNA. It is a 'silent' change, meaning that it does not change the encoded amino acid sequence of the DBH protein. It affects a nucleotide within the consensus splice site.

NM_000787.4(DBH):c.1023A>G (p.Glu341=)

Gene: DBH (dopamine beta-hydroxylase; plus strand). Cytogenetic location: 9q34.2.
Variant type: single nucleotide variant.
Coding change: c.1023A>G on transcript NM_000787.4 (MANE Select); coding-DNA position 1023, A replaced by G.
Protein change: p.Glu341=; no amino-acid change (glutamic acid 341 retained).
Molecular consequence: synonymous variant.
Genome position (GRCh38, 1-based): chr9:133,644,319, A>G. VCF-style: chr9-133644319-A-G. GRCh37 (hg19) VCF-style: chr9-136509441-A-G.
Identifiers: ClinVar variation 1971051 (VCV001971051.5), dbSNP rs374042518, ClinGen allele CA5313266.